The following is an entry in ClinVar:

ClinVar aggregate classification (germline): Uncertain significance. Review status: criteria provided, multiple submitters, no conflicts (2 of 4 stars). 8 submissions from 8 submitters: Uncertain significance (7). 1 of the submissions does not count toward it. Last evaluated 2026-01-15.

Conditions:
APC-related disorder. Also called: APC-related condition.
Hereditary cancer-predisposing syndrome. Also called: Neoplastic Syndromes, Hereditary; Tumor predisposition; Hereditary Cancer Syndrome; Hereditary neoplastic syndrome. Identifiers: Orphanet 140162, MedGen C0027672, MeSH D009386, MONDO:0015356.
Familial adenomatous polyposis 1 (FAP1). Also called: FAMILIAL ADENOMATOUS POLYPOSIS 1, ATTENUATED; POLYPOSIS, ADENOMATOUS INTESTINAL. Identifiers: MedGen C2713442, MONDO:0021056, OMIM 175100. Disease mechanism: loss of function.

gnomAD v4.1: 5 of 1,614,162 alleles (0.00031%); highest among the groups gnomAD compares: Non-Finnish European, 0.00042%; no homozygotes.

Submissions (8):

Praxis Für Humangenetik, Biosciencia MVZ Labor Saar
Classification: Uncertain significance for Hereditary cancer-predisposing syndrome. Last evaluated: 2026-01-15. Review status: criteria provided, single submitter. Criteria: ACMG Guidelines, 2015. Collection method: clinical testing. Allele origin: germline. Affected: yes.
Comment: PM2

Labcorp Genetics (formerly Invitae), Labcorp
Classification: Uncertain significance for Familial adenomatous polyposis 1. Last evaluated: 2025-07-31. Review status: criteria provided, single submitter. Criteria: Invitae Variant Classification Sherloc (09022015). Collection method: clinical testing. Allele origin: germline.
Comment: This sequence change replaces serine, which is neutral and polar, with asparagine, which is neutral and polar, at codon 1215 of the APC protein (p.Ser1215Asn). This variant is not present in population databases (gnomAD no frequency). This variant has not been reported in the literature in individuals affected with APC-related conditions. ClinVar contains an entry for this variant (Variation ID: 133529). Invitae Evidence Modeling of protein sequence and biophysical properties (such as structural, functional, and spatial information, amino acid conservation, physicochemical variation, residue mobility, and thermodynamic stability) indicates that this missense variant is not expected to disrupt APC protein function with a negative predictive value of 95%. In summary, the available evidence is currently insufficient to determine the role of this variant in disease. Therefore, it has been classified as a Variant of Uncertain Significance.

Molecular Pathology, Peter Maccallum Cancer Centre
Classification: Uncertain significance for Familial adenomatous polyposis 1. Last evaluated: 2025-04-03. Review status: criteria provided, single submitter. Criteria: ACMG Guidelines, 2015. Collection method: clinical testing. Allele origin: germline. Inheritance: Autosomal dominant inheritance.

PreventionGenetics, part of Exact Sciences
Classification: Uncertain significance for APC-related condition. Last evaluated: 2025-03-25. Review status: criteria provided, single submitter. Criteria: ACMG Guidelines, 2015. Collection method: clinical testing. Allele origin: germline.
Comment: The APC c.3644G>A variant is predicted to result in the amino acid substitution p.Ser1215Asn. This variant has been reported in a cohort of healthy individuals (Bodian et al. 2014. PubMed ID: 24728327). This variant has not been reported in the literature or in a large population database (gnomAD), indicating this variant is rare. This variant is reported as having uncertain clinical significance in the ClinVar database. At this time, the clinical significance of this variant is uncertain due to the absence of conclusive functional and genetic evidence.

Ambry Genetics
Classification: Uncertain significance for Hereditary cancer-predisposing syndrome. Last evaluated: 2024-09-09. Review status: criteria provided, single submitter. Criteria: Ambry Variant Classification Scheme 2023. Collection method: clinical testing. Allele origin: germline.
Comment: The p.S1215N variant (also known as c.3644G>A), located in coding exon 15 of the APC gene, results from a G to A substitution at nucleotide position 3644. The serine at codon 1215 is replaced by asparagine, an amino acid with highly similar properties. This variant was identified in a cohort of 681 ancestrally diverse, healthy subjects (Bodian DL et al. PLoS ONE, 2014 Apr;9:e94554). This amino acid position is not well conserved in available vertebrate species. In addition, in silico predictors for this gene do not accurately predict pathogenicity. Since supporting evidence is limited at this time, the clinical significance of this alteration remains unclear.

Color Diagnostics, LLC DBA Color Health
Classification: Uncertain significance for Hereditary cancer-predisposing syndrome. Last evaluated: 2019-05-14. Review status: criteria provided, single submitter. Criteria: ACMG Guidelines, 2015. Collection method: clinical testing. Allele origin: germline.

GeneDx
Classification: Uncertain significance. Last evaluated: 2016-01-05. Review status: criteria provided, single submitter. Criteria: GeneDx Variant Classification (06012015). Collection method: clinical testing. Allele origin: germline. Affected: yes.
Comment: This variant is denoted APC c.3644G>A at the cDNA level, p.Ser1215Asn (S1215N) at the protein level, and results in the change of a Serine to an Asparagine (AGT>AAT). This variant was observed in 1/331 healthy European individuals undergoing whole genome sequencing (Bodian 2014). Of note, the participants in this study were younger than 50 years old, this the unaffected status of this individual may not be significant. APC Ser1215Asn was not observed in approximately 6,500 individuals of European and African American ancestry in the NHLBI Exome Sequencing Project, suggesting it is not a common benign variant in these populations. Since Serine and Asparagine share similar properties, this is considered a conservative amino acid substitution. APC Ser1215Asn occurs at a position that is not conserved and is located in a Serine-rich region and a region responsible for down-regulation through a process mediated by direct ubiquitination (UniProt). In silico analyses predict that this variant is unlikely to alter protein structure or function. Based on currently available evidence, it is unclear whether APC Ser1215Asn is pathogenic or benign. We consider it to be a variant of uncertain significance.

ITMI
No classification provided. Condition: AllHighlyPenetrant. Last evaluated: 2013-09-19. Review status: no classification provided. Collection method: reference population. Allele origin: germline. Not counted in ClinVar's aggregate classification.
Comment: Please see associated publication for description of ethnicities

Literature cited by the submitters: PubMed 24728327 (cited by Ambry Genetics and ITMI).

NM_000038.6(APC):c.3644G>A (p.Ser1215Asn)

Gene: APC (APC regulator of Wnt signaling pathway; plus strand). Cytogenetic location: 5q22.2.
Variant type: single nucleotide variant.
Coding change: c.3644G>A on transcript NM_000038.6 (MANE Select); coding-DNA position 3644, G replaced by A.
Protein change: p.Ser1215Asn; replaces serine 1215 with asparagine.
Molecular consequence: missense variant.
Genome position (GRCh38, 1-based): chr5:112,839,238, G>A. VCF-style: chr5-112839238-G-A. GRCh37 (hg19) VCF-style: chr5-112174935-G-A.
Other names: c.3644G>A, p.Ser1215Asn (NM_001127510.3, NM_001354895.2); c.3590G>A, p.Ser1197Asn (NM_001127511.3); c.3698G>A, p.Ser1233Asn (NM_001354896.2); c.3674G>A, p.Ser1225Asn (NM_001354897.2); c.3569G>A, p.Ser1190Asn (NM_001354898.2); c.3560G>A, p.Ser1187Asn (NM_001354899.2); c.3521G>A, p.Ser1174Asn (NM_001354900.2); c.3467G>A, p.Ser1156Asn (NM_001354901.2); and 5 more; short protein forms S1197N, S1215N, S1089N, S1174N, S1114N, S1124N, S1190N, S1055N.
Identifiers: ClinVar variation 133529 (VCV000133529.20), dbSNP rs587778041, ClinGen allele CA008599.